The following is an entry in ClinVar:

ClinVar aggregate classification (germline): Uncertain significance (1 of 4 stars; one submission).

Conditions:
Cardiovascular phenotype. Identifiers: MedGen CN230736.

gnomAD v4.1: 8 of 1,553,754 alleles (0.00051%); highest among the groups gnomAD compares: Non-Finnish European, 0.00069%; no homozygotes.

Submission:

Ambry Genetics
Classification: Uncertain significance for Cardiovascular phenotype. Last evaluated: 2026-04-21. Review status: criteria provided, single submitter. Criteria: Ambry Variant Classification Scheme 2023. Collection method: clinical testing. Allele origin: germline.
Comment: The c.29152+5A>G intronic variant results from an A to G substitution 5 nucleotides after coding exon 116 in the TTN gene. This nucleotide position is not well conserved in available vertebrate species. In silico splice site analysis predicts that this alteration will not have any significant effect on splicing. Based on the available evidence, the clinical significance of this variant remains unclear.

NM_001267550.2(TTN):c.56347+5A>G

Genes: TTN-AS1 (TTN antisense RNA 1; plus strand), TTN (titin; minus strand). Cytogenetic location: 2q31.2.
Variant type: single nucleotide variant.
Coding change: c.56347+5A>G on transcript NM_001267550.2 (MANE Select); 5 bases into the intron after coding-DNA position 56347, A replaced by G.
Molecular consequence: intron variant.
Genome position (GRCh38, 1-based): chr2:178,599,549, T>C on the plus strand (A>G on the coding strand, the complement: TTN is on the minus strand). VCF-style: chr2-178599549-T-C. GRCh37 (hg19) VCF-style: chr2-179464276-T-C.
Other names: c.48643+5A>G (NM_133378.4); c.51424+5A>G (NM_001256850.1); c.29152+5A>G (NM_003319.4); c.29728+5A>G (NM_133437.4); c.29527+5A>G (NM_133432.3).
Identifiers: ClinVar variation 4866168 (VCV004866168.1).
Genomic context (GRCh38, chr2:178,599,549, plus strand): 5'-TTAAAGCCAAATGTTATTTATGAACAGAAAAACAAGTAATTTTAACCAAACCATGCAGTC[T>C]TTACCCAGGACATTCAGTCTCATCTCCTTTGATGCTGTTCCCAGATTATTTACAGCTGTG-3'